The following is an entry in ClinVar:

ClinVar aggregate classification (germline): Likely pathogenic (1 of 4 stars; one submission).

Conditions:
Cornelia de Lange syndrome 4 (CDLS4). Also called: RAD21-Related Cornelia de Lange Syndrome; CORNELIA DE LANGE SYNDROME 4 WITH OR WITHOUT MIDLINE BRAIN DEFECTS. Identifiers: Orphanet 199, MedGen C3553517, MONDO:0013864, OMIM 614701.

Submission:

Labcorp Genetics (formerly Invitae), Labcorp
Classification: Likely pathogenic for Cornelia de Lange syndrome 4. Last evaluated: 2024-10-07. Review status: criteria provided, single submitter. Criteria: Invitae Variant Classification Sherloc (09022015). Collection method: clinical testing. Allele origin: germline.
Comment: This sequence change affects a donor splice site in intron 7 of the RAD21 gene. It is expected to disrupt RNA splicing. Variants that disrupt the donor or acceptor splice site typically lead to a loss of protein function (PMID: 16199547), and loss-of-function variants in RAD21 are known to be pathogenic (PMID: 22633399, 24378232, 27620904, 27882533). This variant is not present in population databases (gnomAD no frequency). This variant has not been reported in the literature in individuals affected with RAD21-related conditions. Algorithms developed to predict the effect of sequence changes on RNA splicing suggest that this variant may disrupt the consensus splice site. In summary, the currently available evidence indicates that the variant is pathogenic, but additional data are needed to prove that conclusively. Therefore, this variant has been classified as Likely Pathogenic.

Literature cited by the submitters: PubMed 16199547; PubMed 22633399; PubMed 24378232; PubMed 27620904; PubMed 27882533.

NM_006265.3(RAD21):c.814+2T>C

Gene: RAD21 (RAD21 cohesin complex component; minus strand). Cytogenetic location: 8q24.11.
Variant type: single nucleotide variant.
Coding change: c.814+2T>C on transcript NM_006265.3 (MANE Select); the canonical splice donor site of the intron after coding-DNA position 814, T replaced by C.
Molecular consequence: splice donor variant.
Genome position (GRCh38, 1-based): chr8:116,856,644, A>G on the plus strand (T>C on the coding strand, the complement: RAD21 is on the minus strand). VCF-style: chr8-116856644-A-G. GRCh37 (hg19) VCF-style: chr8-117868883-A-G.
Identifiers: ClinVar variation 3722399 (VCV003722399.2).